The following is an entry in ClinVar:

NM_001386298.1(CIC):c.6765C>G (p.Asp2255Glu)

Gene: CIC (capicua transcriptional repressor; plus strand). Cytogenetic location: 19q13.2.
Variant type: single nucleotide variant.
Coding change: c.6765C>G on transcript NM_001386298.1 (MANE Select); coding-DNA position 6765, C replaced by G.
Protein change: p.Asp2255Glu; replaces aspartic acid 2255 with glutamic acid.
Molecular consequence: missense variant.
Genome position (GRCh38, 1-based): chr19:42,293,834, C>G. VCF-style: chr19-42293834-C-G. GRCh37 (hg19) VCF-style: chr19-42797986-C-G.
Other names: c.6765C>G, p.Asp2255Glu (NM_001304815.2, NM_001379482.1, NM_001439183.1 and 2 more transcripts); c.6762C>G, p.Asp2254Glu (NM_001379480.1, NM_001439184.1, NM_001439185.1 and 1 more transcripts); c.4038C>G, p.Asp1346Glu (NM_001379484.1, NM_001379485.1, NM_001439190.1 and 1 more transcripts); c.4035C>G, p.Asp1345Glu (NM_001439189.1, NM_001439191.1); short protein forms D1345E, D2255E, D2254E, D1346E.
Identifiers: ClinVar variation 5009414 (VCV005009414.1).

ClinVar aggregate classification (germline): Uncertain significance (1 of 4 stars; one submission).

Submission:

GeneDx
Classification: Uncertain significance. Last evaluated: 2026-03-18. Review status: criteria provided, single submitter. Criteria: GeneDx Variant Classification Process June 2021. Collection method: clinical testing. Allele origin: germline.
Comment: Not observed at significant frequency in large population cohorts (gnomAD); In silico analysis supports that this missense variant has a deleterious effect on protein structure/function; Has not been previously published as pathogenic or benign to our knowledge